The following is an entry in ClinVar:

ClinVar aggregate classification (germline): Pathogenic (0 of 4 stars; one submission).

Submission:

GenMed Metabolism Lab
Classification: Pathogenic. Review status: no assertion criteria provided. Collection method: not provided. Allele origin: unknown.
ClinVar note: Converted during submission from pathogenic to Pathogenic.

NM_000531.6(OTC):c.376del (p.Asp126fs)

Gene: OTC (ornithine transcarbamylase; plus strand). Cytogenetic location: Xp11.4.
Variant type: Deletion.
Coding change: c.376del on transcript NM_000531.6 (MANE Select); coding-DNA position 376, one base deleted (G; older notation c.376delG).
Protein change: p.Asp126fs; shifts the reading frame from aspartic acid 126.
Molecular consequence: frameshift variant.
Genome position (GRCh38, 1-based): chrX:38,381,419, G deleted; the last of 2 consecutive G bases (chrX:38,381,418-38,381,419); deleting either gives the same sequence. VCF-style (leftmost placement, unchanged base first): chrX-38381417-CG-C. GRCh37 (hg19) VCF-style: chrX-38240670-CG-C.
Other names: short protein forms D126fs.
Identifiers: ClinVar variation 97176 (VCV000097176.2), dbSNP rs72554357, ClinGen allele CA224563.
Genomic context (GRCh38, chrX:38,381,417, plus strand): 5'-GAGGACATCCTTGTTTTCTTACCACACAAGATATTCATTTGGGTGTGAATGAAAGTCTCA[CG>C]GACACGGCCCGGTTTGTAAATATTTTCTTCTCTCCAAAGCTGATTTCAGAATCTGATGGA-3'